The following is an entry in ClinVar:

ClinVar aggregate classification (germline): Uncertain significance (1 of 4 stars; one submission).

Submission:

Dasa
Classification: Uncertain significance. Last evaluated: 2026-03-03. Review status: criteria provided, single submitter. Criteria: DASA Assertion Criteria. Collection method: clinical testing. Allele origin: germline.
Comment: NM_000525.4(KCNJ11):c.235T>C (p.Phe79Leu) is a missense variant that results in the substitution of phenylalanine with leucine. The affected residue or protein region has prior evidence supporting clinical relevance. This variant is rare in population databases. Computational prediction algorithms are consistent with a deleterious effect. The currently available literature and clinical evidence are not sufficient to establish a definitive association between this variant and the reported condition. Therefore, this variant is classified as a variant of uncertain significance.

NM_000525.4(KCNJ11):c.235T>C (p.Phe79Leu)

Gene: KCNJ11 (potassium inwardly rectifying channel subfamily J member 11; minus strand). Cytogenetic location: 11p15.1.
Variant type: single nucleotide variant.
Coding change: c.235T>C on transcript NM_000525.4 (MANE Select); coding-DNA position 235, T replaced by C.
Protein change: p.Phe79Leu; replaces phenylalanine 79 with leucine.
Molecular consequence: missense variant. On other transcripts: intron variant (3).
Genome position (GRCh38, 1-based): chr11:17,387,857, A>G on the plus strand (T>C on the coding strand, the complement: KCNJ11 is on the minus strand). VCF-style: chr11-17387857-A-G. GRCh37 (hg19) VCF-style: chr11-17409404-A-G.
Other names: c.-16-11T>C (NM_001166290.2, NM_001377297.1, NM_001377296.1); short protein forms F79L.
Identifiers: ClinVar variation 4882690 (VCV004882690.2).